The following is an entry in ClinVar:

NM_001041.4(SI):c.2191G>C (p.Asp731His)

Gene: SI (sucrase-isomaltase; minus strand). Cytogenetic location: 3q26.1.
Variant type: single nucleotide variant.
Coding change: c.2191G>C on transcript NM_001041.4 (MANE Select); coding-DNA position 2191, G replaced by C.
Protein change: p.Asp731His; replaces aspartic acid 731 with histidine.
Molecular consequence: missense variant.
Genome position (GRCh38, 1-based): chr3:165,039,940, C>G on the plus strand (G>C on the coding strand, the complement: SI is on the minus strand). VCF-style: chr3-165039940-C-G. GRCh37 (hg19) VCF-style: chr3-164757728-C-G.
Other names: c.2191G>C (NM_001041.3); short protein forms D731H.
Identifiers: ClinVar variation 2192459 (VCV002192459.2), dbSNP rs1011926780, ClinGen allele CA86538205.

ClinVar aggregate classification (germline): Uncertain significance. Review status: criteria provided, multiple submitters, no conflicts (2 of 4 stars). 2 submissions from 2 submitters: Uncertain significance (2). Last evaluated 2025-10-07.

Conditions:
Inborn genetic diseases. Identifiers: MedGen C0950123, MeSH D030342.

Allele frequency attached by ClinVar (database versions not stated): TOPMed 0.00003; gnomAD 0.00002.
gnomAD v4.1: 27 of 1,613,160 alleles (0.0017%); highest among the groups gnomAD compares: Non-Finnish European, 0.0022%; no homozygotes.

Submissions (2):

Ambry Genetics
Classification: Uncertain significance for Inborn genetic diseases. Last evaluated: 2025-10-07. Review status: criteria provided, single submitter. Criteria: Ambry Variant Classification Scheme 2023. Collection method: clinical testing. Allele origin: germline.

Labcorp Genetics (formerly Invitae), Labcorp
Classification: Uncertain significance. Last evaluated: 2022-05-05. Review status: criteria provided, single submitter. Criteria: Invitae Variant Classification Sherloc (09022015). Collection method: clinical testing. Allele origin: germline.
Comment: This sequence change replaces aspartic acid, which is acidic and polar, with histidine, which is basic and polar, at codon 731 of the SI protein (p.Asp731His). This variant is present in population databases (no rsID available, gnomAD 0.002%). This variant has not been reported in the literature in individuals affected with SI-related conditions. Algorithms developed to predict the effect of missense changes on protein structure and function are either unavailable or do not agree on the potential impact of this missense change (SIFT: "Deleterious"; PolyPhen-2: "Benign"; Align-GVGD: "Class C0"). In summary, the available evidence is currently insufficient to determine the role of this variant in disease. Therefore, it has been classified as a Variant of Uncertain Significance.